The following is an entry in ClinVar:

NM_001127208.3(TET2):c.4062_4063del (p.Arg1354fs)

Genes: TET2 (tet methylcytosine dioxygenase 2; plus strand), TET2-AS1 (TET2 antisense RNA 1; minus strand). Cytogenetic location: 4q24.
Variant type: Microsatellite.
Coding change: c.4062_4063del on transcript NM_001127208.3 (MANE Select); coding-DNA positions 4062 to 4063, 2 bases deleted (AG; older notation c.4062_4063delAG).
Protein change: p.Arg1354fs; shifts the reading frame from arginine 1354.
Molecular consequence: frameshift variant.
Genome position (GRCh38, 1-based): chr4:105,269,627-105,269,628, AG deleted; deleting any 2 consecutive bases within chr4:105,269,625-105,269,628 gives the same sequence; the c. name uses the placement nearest the transcript's 3' end. VCF-style (leftmost placement, unchanged base first): chr4-105269624-CAG-C. GRCh37 (hg19) VCF-style: chr4-106190781-CAG-C.
Other names: short protein forms R1354fs.
Identifiers: ClinVar variation 4749349 (VCV004749349.1).

ClinVar aggregate classification (germline): Pathogenic (1 of 4 stars; one submission).

Submission:

Labcorp Genetics (formerly Invitae), Labcorp
Classification: Pathogenic. Last evaluated: 2025-10-11. Review status: criteria provided, single submitter. Criteria: Invitae Variant Classification Sherloc (09022015). Collection method: clinical testing. Allele origin: germline.
Comment: This sequence change creates a premature translational stop signal (p.Arg1354Serfs*46) in the TET2 gene. It is expected to result in an absent or disrupted protein product. Loss-of-function variants in TET2 are known to be pathogenic (PMID: 36066697). This variant is not present in population databases (gnomAD no frequency). This variant has not been reported in the literature in individuals affected with TET2-related conditions. For these reasons, this variant has been classified as Pathogenic.

Literature cited by the submitters: PubMed 36066697.